The following is an entry in ClinVar:

ClinVar aggregate classification (germline): Uncertain significance. Review status: criteria provided, multiple submitters, no conflicts (2 of 4 stars). 2 submissions from 2 submitters: Uncertain significance (2). Last evaluated 2025-06-15.

Conditions:
Colorectal cancer, hereditary nonpolyposis, type 7. Identifiers: Orphanet 144, MedGen C1858380, MONDO:0013725, OMIM 614385.

Allele frequency attached by ClinVar (database versions not stated): gnomAD exomes below 0.00001.
gnomAD v4.1: 3 of 1,614,188 alleles (0.00019%); highest among the groups gnomAD compares: East Asian, 0.0045%; no homozygotes.

Submissions (2):

Labcorp Genetics (formerly Invitae), Labcorp
Classification: Uncertain significance for Colorectal cancer, hereditary nonpolyposis, type 7. Last evaluated: 2025-06-15. Review status: criteria provided, single submitter. Criteria: Invitae Variant Classification Sherloc (09022015). Collection method: clinical testing. Allele origin: germline.
Comment: This sequence change replaces cysteine, which is neutral and slightly polar, with glycine, which is neutral and non-polar, at codon 963 of the MLH3 protein (p.Cys963Gly). This variant is not present in population databases (gnomAD no frequency). This variant has not been reported in the literature in individuals affected with MLH3-related conditions. ClinVar contains an entry for this variant (Variation ID: 1414254). An algorithm developed to predict the effect of missense changes on protein structure and function (PolyPhen-2) suggests that this variant is likely to be tolerated. In summary, the available evidence is currently insufficient to determine the role of this variant in disease. Therefore, it has been classified as a Variant of Uncertain Significance.

Ambry Genetics
Classification: Uncertain significance. Last evaluated: 2024-02-28. Review status: criteria provided, single submitter. Criteria: Ambry Variant Classification Scheme 2023. Collection method: clinical testing. Allele origin: germline.
Comment: The p.C963G variant (also known as c.2887T>G), located in coding exon 1 of the MLH3 gene, results from a T to G substitution at nucleotide position 2887. The cysteine at codon 963 is replaced by glycine, an amino acid with highly dissimilar properties. In addition, this alteration is predicted to be tolerated by in silico analysis. Since supporting evidence is limited at this time, the clinical significance of this alteration remains unclear.

NM_001040108.2(MLH3):c.2887T>G (p.Cys963Gly)

Gene: MLH3 (mutL homolog 3; minus strand). Cytogenetic location: 14q24.3.
Variant type: single nucleotide variant.
Coding change: c.2887T>G on transcript NM_001040108.2 (MANE Select); coding-DNA position 2887, T replaced by G.
Protein change: p.Cys963Gly; replaces cysteine 963 with glycine.
Molecular consequence: missense variant.
Genome position (GRCh38, 1-based): chr14:75,046,769, A>C on the plus strand (T>G on the coding strand, the complement: MLH3 is on the minus strand). VCF-style: chr14-75046769-A-C. GRCh37 (hg19) VCF-style: chr14-75513472-A-C.
Other names: c.2887T>G, p.Cys963Gly (NM_014381.3); short protein forms C963G.
Identifiers: ClinVar variation 1414254 (VCV001414254.8), dbSNP rs1892263113, ClinGen allele CA390437759.